The following is an entry in ClinVar:

ClinVar aggregate classification (germline): Uncertain significance (1 of 4 stars; one submission).

Conditions:
Primary ciliary dyskinesia. Also called: Ciliary dyskinesia. Identifiers: Orphanet 244, MedGen C0008780, MONDO:0016575, HP:0012265.

Allele frequency attached by ClinVar (database versions not stated): gnomAD exomes below 0.00001; TOPMed below 0.00001; ESP Exome Variant Server 0.00008.
gnomAD v4.1: 4 of 1,610,842 alleles (0.00025%); highest among the groups gnomAD compares: South Asian, 0.0011%; no homozygotes.

Submission:

Ambry Genetics
Classification: Uncertain significance for Primary ciliary dyskinesia. Last evaluated: 2015-03-23. Review status: criteria provided, single submitter. Criteria: Ambry Variant Classification Scheme 2023. Collection method: clinical testing. Allele origin: germline.
Comment: The p.I646V variant (also known as c.1936A>G), located in coding exon 6 of the RSPH4A gene, results from an A to G substitution at nucleotide position 1936. The isoleucine at codon 646 is replaced by valine, an amino acid with highly similar properties. This variant was previously reported in the SNPDatabase as rs375132889. Based on data from the NHLBI Exome Sequencing Project (ESP), the G allele has an overall frequency of approximately 0.01% (1/13006) total alleles studied and 0.01% (1/8600) European American alleles. This amino acid position is well conserved in available vertebrate species. In addition, this alteration is predicted to be tolerated by in silico analysis. Since supporting evidence is limited at this time, the clinical significance of this variant remains unclear.

NM_001010892.3(RSPH4A):c.1936A>G (p.Ile646Val)

Gene: RSPH4A (radial spoke head component 4A; plus strand). Cytogenetic location: 6q22.1.
Variant type: single nucleotide variant.
Coding change: c.1936A>G on transcript NM_001010892.3 (MANE Select); coding-DNA position 1936, A replaced by G.
Protein change: p.Ile646Val; replaces isoleucine 646 with valine.
Molecular consequence: missense variant. On other transcripts: synonymous variant (1).
Genome position (GRCh38, 1-based): chr6:116,632,226, A>G. VCF-style: chr6-116632226-A-G. GRCh37 (hg19) VCF-style: chr6-116953389-A-G.
Other names: c.1800A>G, p.Thr600= (NM_001161664.2); short protein forms I646V.
Identifiers: ClinVar variation 1782964 (VCV001782964.2), dbSNP rs375132889, ClinGen allele CA145928822.